The following is an entry in ClinVar:

NM_000038.6(APC):c.512G>C (p.Ser171Thr)

Gene: APC (APC regulator of Wnt signaling pathway; plus strand). Cytogenetic location: 5q22.2.
Variant type: single nucleotide variant.
Coding change: c.512G>C on transcript NM_000038.6 (MANE Select); coding-DNA position 512, G replaced by C.
Protein change: p.Ser171Thr; replaces serine 171 with threonine.
Molecular consequence: missense variant. On other transcripts: 5 prime UTR variant (4), non-coding transcript variant (2).
Genome position (GRCh38, 1-based): chr5:112,775,718, G>C. VCF-style: chr5-112775718-G-C. GRCh37 (hg19) VCF-style: chr5-112111415-G-C.
Other names: c.512G>C, p.Ser171Thr (NM_001127510.3, NM_001354895.2, NM_001354896.2 and 16 more transcripts); c.542G>C, p.Ser181Thr (NM_001127511.3, NM_001354897.2, NM_001354902.2 and 1 more transcripts); c.437G>C, p.Ser146Thr (NM_001354898.2, NM_001354904.2, NM_001407451.1); c.335G>C, p.Ser112Thr (NM_001354900.2, NM_001354901.2, NM_001354905.2 and 1 more transcripts); c.-524G>C (NM_001354906.2, NM_001407470.1, NM_001407471.1 and 1 more transcripts); short protein forms S146T, S181T, S171T, S112T.
Identifiers: ClinVar variation 3675666 (VCV003675666.2).

ClinVar aggregate classification (germline): Uncertain significance (1 of 4 stars; one submission).

Conditions:
Familial adenomatous polyposis 1 (FAP1). Also called: POLYPOSIS, ADENOMATOUS INTESTINAL; FAMILIAL ADENOMATOUS POLYPOSIS 1, ATTENUATED. Identifiers: MedGen C2713442, MONDO:0021056, OMIM 175100. Disease mechanism: loss of function.

gnomAD v4.1: 1 of 1,580,994 alleles (0.000063%); highest among the groups gnomAD compares: East Asian, 0.0022%; no homozygotes.

Submission:

Labcorp Genetics (formerly Invitae), Labcorp
Classification: Uncertain significance for Familial adenomatous polyposis 1. Last evaluated: 2024-03-10. Review status: criteria provided, single submitter. Criteria: Invitae Variant Classification Sherloc (09022015). Collection method: clinical testing. Allele origin: germline.
Comment: This sequence change replaces serine, which is neutral and polar, with threonine, which is neutral and polar, at codon 171 of the APC protein (p.Ser171Thr). This variant is not present in population databases (gnomAD no frequency). This variant has not been reported in the literature in individuals affected with APC-related conditions. Advanced modeling of protein sequence and biophysical properties (such as structural, functional, and spatial information, amino acid conservation, physicochemical variation, residue mobility, and thermodynamic stability) performed at Invitae indicates that this missense variant is not expected to disrupt APC protein function with a negative predictive value of 95%. In summary, the available evidence is currently insufficient to determine the role of this variant in disease. Therefore, it has been classified as a Variant of Uncertain Significance.